The following is an entry in ClinVar:

ClinVar aggregate classification (germline): Uncertain significance (1 of 4 stars; one submission).

Conditions:
Hereditary cancer-predisposing syndrome. Also called: Neoplastic Syndromes, Hereditary; Tumor predisposition; Hereditary Cancer Syndrome; Hereditary neoplastic syndrome. Identifiers: Orphanet 140162, MedGen C0027672, MeSH D009386, MONDO:0015356.

Submission:

Ambry Genetics
Classification: Uncertain significance for Hereditary cancer-predisposing syndrome. Last evaluated: 2025-09-21. Review status: criteria provided, single submitter. Criteria: Ambry Variant Classification Scheme 2023. Collection method: clinical testing. Allele origin: germline.
Comment: The p.Q161H variant (also known as c.483G>C), located in coding exon 5 of the PMS2 gene, results from a G to C substitution at nucleotide position 483. The glutamine at codon 161 is replaced by histidine, an amino acid with highly similar properties. This amino acid position is conserved. In addition, this alteration is predicted to be tolerated by in silico analysis. Based on the available evidence, the clinical significance of this variant remains unclear.

NM_000535.7(PMS2):c.483G>C (p.Gln161His)

Gene: PMS2 (PMS1 homolog 2, mismatch repair system component; minus strand). Cytogenetic location: 7p22.1.
Variant type: single nucleotide variant.
Coding change: c.483G>C on transcript NM_000535.7 (MANE Select); coding-DNA position 483, G replaced by C.
Protein change: p.Gln161His; replaces glutamine 161 with histidine.
Molecular consequence: missense variant. On other transcripts: 5 prime UTR variant (2), non-coding transcript variant (1), intron variant (1).
Genome position (GRCh38, 1-based): chr7:6,002,507, C>G on the plus strand (G>C on the coding strand, the complement: PMS2 is on the minus strand). VCF-style: chr7-6002507-C-G. GRCh37 (hg19) VCF-style: chr7-6042138-C-G.
Other names: c.78G>C, p.Gln26His (NM_001322003.2, NM_001322004.2, NM_001322005.2 and 24 more transcripts); c.483G>C, p.Gln161His (NM_001322006.2, NM_001322014.2, NM_001406869.1 and 8 more transcripts); c.165G>C, p.Gln55His (NM_001322007.2, NM_001322008.2, NM_001406876.1 and 4 more transcripts); c.-402G>C (NM_001322011.2, NM_001322012.2); c.174G>C, p.Gln58His (NM_001322015.2, NM_001406875.1, NM_001406877.1 and 6 more transcripts); c.669G>C, p.Gln223His (NM_001406866.1); c.507G>C, p.Gln169His (NM_001406868.1); c.250+1465G>C (NM_001406885.1); short protein forms Q223H, Q26H, Q161H, Q55H, Q58H, Q169H.
Identifiers: ClinVar variation 4667289 (VCV004667289.1).